The following is an entry in ClinVar:

ClinVar aggregate classification (germline): Uncertain significance (1 of 4 stars; one submission).

Conditions:
Facioscapulohumeral muscular dystrophy 2 (FSHD2). Also called: MUSCULAR DYSTROPHY, FACIOSCAPULOHUMERAL, TYPE 1B; FACIOSCAPULOHUMERAL MUSCULAR DYSTROPHY 2, DIGENIC; FSHD2, DIGENIC. Identifiers: Orphanet 269, MedGen C1834671, MONDO:0008031, OMIM 158901.

Allele frequency attached by ClinVar (database versions not stated): gnomAD exomes below 0.00001; TOPMed 0.00001.
gnomAD v4.1: 4 of 1,612,606 alleles (0.00025%); highest among the groups gnomAD compares: South Asian, 0.0011%; no homozygotes.

Submission:

Labcorp Genetics (formerly Invitae), Labcorp
Classification: Uncertain significance for Facioscapulohumeral muscular dystrophy 2. Last evaluated: 2023-10-08. Review status: criteria provided, single submitter. Criteria: Invitae Variant Classification Sherloc (09022015). Collection method: clinical testing. Allele origin: germline.
Comment: This sequence change replaces arginine, which is basic and polar, with histidine, which is basic and polar, at codon 1122 of the SMCHD1 protein (p.Arg1122His). This variant is not present in population databases (gnomAD no frequency). This variant has not been reported in the literature in individuals affected with SMCHD1-related conditions. Advanced modeling of protein sequence and biophysical properties (such as structural, functional, and spatial information, amino acid conservation, physicochemical variation, residue mobility, and thermodynamic stability) performed at Invitae indicates that this missense variant is not expected to disrupt SMCHD1 protein function. In summary, the available evidence is currently insufficient to determine the role of this variant in disease. Therefore, it has been classified as a Variant of Uncertain Significance.

NM_015295.3(SMCHD1):c.3365G>A (p.Arg1122His)

Gene: SMCHD1 (structural maintenance of chromosomes flexible hinge domain containing 1; plus strand). Cytogenetic location: 18p11.32.
Variant type: single nucleotide variant.
Coding change: c.3365G>A on transcript NM_015295.3 (MANE Select); coding-DNA position 3365, G replaced by A.
Protein change: p.Arg1122His; replaces arginine 1122 with histidine.
Molecular consequence: missense variant.
Genome position (GRCh38, 1-based): chr18:2,738,485, G>A. VCF-style: chr18-2738485-G-A. GRCh37 (hg19) VCF-style: chr18-2738483-G-A.
Other names: short protein forms R1122H.
Identifiers: ClinVar variation 2875183 (VCV002875183.3), dbSNP rs1188737588, ClinGen allele CA401687003.